The following is an entry in ClinVar:

ClinVar aggregate classification (germline): Pathogenic/Likely pathogenic. Review status: criteria provided, multiple submitters, no conflicts (2 of 4 stars). 3 submissions from 3 submitters: Pathogenic (1); Likely pathogenic (1). 1 of the submissions does not count toward it. Last evaluated 2024-04-22.

Conditions:
X-linked agammaglobulinemia (XLA). Also called: Agammaglobulinemia, Bruton tyrosine kinase; Agammaglobulinemia, BTK; BTK-deficiency; IMMUNODEFICIENCY 1; Bruton's agammaglobulinemia; AGAMMAGLOBULINEMIA, X-LINKED, TYPE 1. Identifiers: Orphanet 229717, Orphanet 47, MedGen C0221026, MONDO:0010421, OMIM 300755.
X-linked agammaglobulinemia with growth hormone deficiency (IGHD3). Also called: ISOLATED GROWTH HORMONE DEFICIENCY, TYPE III, WITH AGAMMAGLOBULINEMIA; AGAMMAGLOBULINEMIA AND ISOLATED GROWTH HORMONE DEFICIENCY, X-LINKED; FLEISHER SYNDROME; HYPOGAMMAGLOBULINEMIA AND ISOLATED GROWTH HORMONE DEFICIENCY, X-LINKED; IGHD III; Isolated growth hormone deficiency type 3. Identifiers: Orphanet 231692, Orphanet 631, MedGen C0472813, MONDO:0010615, OMIM 307200.

Submissions (3):

Labcorp Genetics (formerly Invitae), Labcorp
Classification: Likely pathogenic for X-linked agammaglobulinemia with growth hormone deficiency. Last evaluated: 2024-04-22. Review status: criteria provided, single submitter. Criteria: Invitae Variant Classification Sherloc (09022015). Collection method: clinical testing. Allele origin: germline.
Comment: This sequence change replaces arginine, which is basic and polar, with proline, which is neutral and non-polar, at codon 562 of the BTK protein (p.Arg562Pro). This variant is not present in population databases (gnomAD no frequency). This missense change has been observed in individuals with agammaglobulinemia (PMID: 7809124, 10678660). ClinVar contains an entry for this variant (Variation ID: 11394). Advanced modeling of protein sequence and biophysical properties (such as structural, functional, and spatial information, amino acid conservation, physicochemical variation, residue mobility, and thermodynamic stability) performed at Invitae indicates that this missense variant is expected to disrupt BTK protein function with a positive predictive value of 80%. This variant disrupts the p.Arg562 amino acid residue in BTK. Other variant(s) that disrupt this residue have been determined to be pathogenic (PMID: 7880320, 11742281, 16951917, 17765309, 19904586). This suggests that this residue is clinically significant, and that variants that disrupt this residue are likely to be disease-causing. In summary, the currently available evidence indicates that the variant is pathogenic, but additional data are needed to prove that conclusively. Therefore, this variant has been classified as Likely Pathogenic.

GeneDx
Classification: Pathogenic. Last evaluated: 2015-08-20. Review status: criteria provided, single submitter. Criteria: GeneDx Variant Classification (06012015). Collection method: clinical testing. Allele origin: germline. Affected: yes.
Comment: The R562P missense variant in the BTK gene has been reported previously in association withX-linked agammaglobulinemia (Vihinen et al., 1994; Curtis et al., 2000). This pathogenic variant occurs in the protein kinasedomain of the BTK protein near other residues with reported pathogenic variants (Vihinen et al.,1994). R562P impairs the kinase activity of the resulting protein despite a lack of effect on proteinlevels (Maniar et al., 1995). Additionally, the R562P variant was not observed in approximately6,500 individuals of European and African American ancestry in the NHLBI Exome SequencingProject, indicating it is not a common benign variant in these populations. Therefore, we interpret R562P as a pathogenic variant.

OMIM
Classification: Pathogenic for AGAMMAGLOBULINEMIA, X-LINKED. Last evaluated: 2000-01-31. Review status: no assertion criteria provided. Collection method: literature only. Allele origin: germline. Not counted in ClinVar's aggregate classification.

Literature cited by the submitters: PubMed 7809124 (cited by Labcorp Genetics (formerly Invitae), Labcorp); PubMed 10678660 (cited by Labcorp Genetics (formerly Invitae), Labcorp and OMIM); PubMed 7880320 (cited by Labcorp Genetics (formerly Invitae), Labcorp); PubMed 11742281 (cited by Labcorp Genetics (formerly Invitae), Labcorp); PubMed 16951917 (cited by Labcorp Genetics (formerly Invitae), Labcorp); PubMed 17765309 (cited by Labcorp Genetics (formerly Invitae), Labcorp); PubMed 19904586 (cited by Labcorp Genetics (formerly Invitae), Labcorp).

NM_000061.3(BTK):c.1685G>C (p.Arg562Pro)

Gene: BTK (Bruton tyrosine kinase; minus strand). Cytogenetic location: Xq22.1.
Variant type: single nucleotide variant.
Coding change: c.1685G>C on transcript NM_000061.3 (MANE Select); coding-DNA position 1685, G replaced by C.
Protein change: p.Arg562Pro; replaces arginine 562 with proline.
Molecular consequence: missense variant.
Genome position (GRCh38, 1-based): chrX:101,353,935, C>G on the plus strand (G>C on the coding strand, the complement: BTK is on the minus strand). VCF-style: chrX-101353935-C-G. GRCh37 (hg19) VCF-style: chrX-100608923-C-G.
Other names: c.1787G>C, p.Arg596Pro (NM_001287344.2); c.1157G>C, p.Arg386Pro (NM_001287345.2); short protein forms R562P, R596P, R386P.
Identifiers: ClinVar variation 11394 (VCV000011394.3), dbSNP rs104894770, ClinGen allele CA255853.